The following is an entry in ClinVar:

NM_000548.5(TSC2):c.2678_2679del (p.Ile893fs)

Gene: TSC2 (TSC complex subunit 2; plus strand). Cytogenetic location: 16p13.3.
Variant type: Deletion.
Coding change: c.2678_2679del on transcript NM_000548.5 (MANE Select); coding-DNA positions 2678 to 2679, 2 bases deleted (TA; older notation c.2678_2679delTA).
Protein change: p.Ile893fs; shifts the reading frame from isoleucine 893.
Molecular consequence: frameshift variant. On other transcripts: non-coding transcript variant (5).
Genome position (GRCh38, 1-based): chr16:2,076,106-2,076,107, TA deleted; deleting any 2 consecutive bases within chr16:2,076,105-2,076,107 gives the same sequence; the c. name uses the placement nearest the transcript's 3' end. VCF-style (leftmost placement, unchanged base first): chr16-2076104-CAT-C. GRCh37 (hg19) VCF-style: chr16-2126105-CAT-C.
Other names: c.2678_2679del, p.Ile893fs (NM_001077183.3, NM_001114382.3, NM_001363528.2 and 6 more transcripts); c.2567_2568del, p.Ile856fs (NM_001318827.2, NM_001406670.1, NM_001406678.1); c.2531_2532del, p.Ile844fs (NM_001318829.2, NM_001406675.1, NM_001406676.1 and 1 more transcripts); c.2078_2079del, p.Ile693fs (NM_001318831.2, NM_001406686.1, NM_001406687.1 and 6 more transcripts); c.2711_2712del, p.Ile904fs (NM_001318832.2); c.2768_2769del, p.Ile923fs (NM_001406667.1, NM_001406668.1); c.2666_2667del, p.Ile889fs (NM_001406671.1, NM_001406673.1); c.1334_1335del, p.Ile445fs (NM_001406689.1, NM_001406690.1, NM_001406691.1 and 6 more transcripts); and 3 more; short protein forms I856fs, I893fs, I904fs, I923fs, I359fs, I445fs, I739fs, I844fs.
Identifiers: ClinVar variation 2835590 (VCV002835590.3), dbSNP rs2543907353, ClinGen allele CA2739265834.

ClinVar aggregate classification (germline): Pathogenic (1 of 4 stars; one submission).

Conditions:
Tuberous sclerosis 2 (TSC2). Identifiers: Orphanet 805, MedGen C1860707, MONDO:0013199, OMIM 613254.

Submission:

Labcorp Genetics (formerly Invitae), Labcorp
Classification: Pathogenic for Tuberous sclerosis 2. Last evaluated: 2023-02-08. Review status: criteria provided, single submitter. Criteria: Invitae Variant Classification Sherloc (09022015). Collection method: clinical testing. Allele origin: germline.
Comment: For these reasons, this variant has been classified as Pathogenic. This variant has not been reported in the literature in individuals affected with TSC2-related conditions. This variant is not present in population databases (gnomAD no frequency). This sequence change creates a premature translational stop signal (p.Ile893Serfs*21) in the TSC2 gene. It is expected to result in an absent or disrupted protein product. Loss-of-function variants in TSC2 are known to be pathogenic (PMID: 10205261, 17304050).

Literature cited by the submitters: PubMed 10205261; PubMed 17304050.